The following is an entry in ClinVar:

NM_001077653.2(TBX20):c.271A>T (p.Ile91Phe)

Gene: TBX20 (T-box transcription factor 20; minus strand). Cytogenetic location: 7p14.2.
Variant type: single nucleotide variant.
Coding change: c.271A>T on transcript NM_001077653.2 (MANE Select); coding-DNA position 271, A replaced by T.
Protein change: p.Ile91Phe; replaces isoleucine 91 with phenylalanine.
Molecular consequence: missense variant.
Genome position (GRCh38, 1-based): chr7:35,250,060, T>A on the plus strand (A>T on the coding strand, the complement: TBX20 is on the minus strand). VCF-style: chr7-35250060-T-A. GRCh37 (hg19) VCF-style: chr7-35289672-T-A.
Other names: c.271A>T, p.Ile91Phe (NM_001166220.1); short protein forms I91F.
Identifiers: ClinVar variation 2631090 (VCV002631090.1), dbSNP rs2546997377, ClinGen allele CA367265129.
Genomic context (GRCh38, chr7:35,250,060, plus strand): 5'-CCCAAAGCTCCTTGGTCTCCAGGCTGCAGGCAATTTTGGCCATTTCCTCACTGGGGATGA[T>A]GGGGGTGGTGGGGATCAGTGGCTCAGTGCACAGAGAGGAGGAGGACGGGCTGCTGCCACT-3'
Protein context (NP_001071121.1, residues 81-101): CTEPLIPTTP[Ile91Phe]IPSEEMAKIA

ClinVar aggregate classification (germline): Uncertain significance (1 of 4 stars; one submission).

Conditions:
TBX20-related disorder. Also called: TBX20-related condition.

Allele frequency attached by ClinVar (database versions not stated): gnomAD exomes below 0.00001.
gnomAD v4.1: 2 of 1,613,962 alleles (0.00012%); highest among the groups gnomAD compares: African/African-American, 0.0027%; no homozygotes.

Submission:

PreventionGenetics, part of Exact Sciences
Classification: Uncertain significance for TBX20-related condition. Last evaluated: 2023-08-28. Review status: criteria provided, single submitter. Criteria: ACMG Guidelines, 2015. Collection method: clinical testing. Allele origin: germline.
Comment: The TBX20 c.271A>T variant is predicted to result in the amino acid substitution p.Ile91Phe. To our knowledge, this variant has not been reported in the literature or in a large population database, indicating this variant is rare. At this time, the clinical significance of this variant is uncertain due to the absence of conclusive functional and genetic evidence.